The following is an entry in ClinVar:

ClinVar aggregate classification (germline): Uncertain significance (1 of 4 stars; one submission).

Conditions:
Hereditary cancer-predisposing syndrome. Also called: Tumor predisposition; Neoplastic Syndromes, Hereditary; Hereditary Cancer Syndrome; Hereditary neoplastic syndrome. Identifiers: Orphanet 140162, MedGen C0027672, MeSH D009386, MONDO:0015356.

Submission:

Ambry Genetics
Classification: Uncertain significance for Hereditary cancer-predisposing syndrome. Last evaluated: 2025-03-11. Review status: criteria provided, single submitter. Criteria: Ambry Variant Classification Scheme 2023. Collection method: clinical testing. Allele origin: germline.
Comment: The c.2313T>C variant (also known as p.F771F), located in coding exon 9 of the MET gene, results from a T to C substitution at nucleotide position 2313. This nucleotide substitution does not change the phenylalanine at codon 771. This nucleotide position is well conserved in available vertebrate species. In silico splice site analysis predicts that this alteration may result in the creation or strengthening of a novel splice acceptor site. Based on the available evidence, the clinical significance of this variant remains unclear.

NM_000245.4(MET):c.2265-6T>C

Gene: MET (MET proto-oncogene, receptor tyrosine kinase; plus strand). Cytogenetic location: 7q31.2.
Variant type: single nucleotide variant.
Coding change: c.2265-6T>C on transcript NM_000245.4 (MANE Select); 6 bases into the intron before coding-DNA position 2265, T replaced by C.
Molecular consequence: intron variant. On other transcripts: synonymous variant (1).
Genome position (GRCh38, 1-based): chr7:116,759,385, T>C. VCF-style: chr7-116759385-T-C. GRCh37 (hg19) VCF-style: chr7-116399439-T-C.
Other names: c.2313T>C, p.Phe771= (NM_001127500.3); c.975-6T>C (NM_001324402.2); c.2265-6T>C (NM_001324401.3).
Identifiers: ClinVar variation 3872398 (VCV003872398.1).